The following is an entry in ClinVar:

NM_017882.3(CLN6):c.329G>T (p.Arg110Leu)

Gene: CLN6 (CLN6 transmembrane ER protein; minus strand). Cytogenetic location: 15q23.
Variant type: single nucleotide variant.
Coding change: c.329G>T on transcript NM_017882.3 (MANE Select); coding-DNA position 329, G replaced by T.
Protein change: p.Arg110Leu; replaces arginine 110 with leucine.
Molecular consequence: missense variant.
Genome position (GRCh38, 1-based): chr15:68,211,832, C>A on the plus strand (G>T on the coding strand, the complement: CLN6 is on the minus strand). VCF-style: chr15-68211832-C-A. GRCh37 (hg19) VCF-style: chr15-68504170-C-A.
Other names: short protein forms R110L.
Identifiers: ClinVar variation 1311554 (VCV001311554.4), dbSNP rs140179213, ClinGen allele CA7630622.
Genomic context (GRCh38, chr15:68,211,832, plus strand): 5'-CCCACCAGGTGGATGCTGGCACCCATGATGAAGATGATGATGCTCACGTACGTGATGGAG[C>A]GTGGCAGGGTGCGGGGGGACCGCTCGATGAGCTGGGGTTCAGAGTGGGGTTGGCAGCATG-3'
Protein context (NP_060352.1, residues 100-120): LIERSPRTLP[Arg110Leu]SITYVSIIIF

ClinVar aggregate classification (germline): Uncertain significance. Review status: criteria provided, multiple submitters, no conflicts (2 of 4 stars). 2 submissions from 2 submitters: Uncertain significance (2). Last evaluated 2022-08-16.

Conditions:
Neuronal ceroid lipofuscinosis. Also called: Neuronal Ceroid Lipofuscinoses. Identifiers: Orphanet 216, Orphanet 79263, MedGen C0027877, MONDO:0016295. Disease mechanism: loss of function.

Allele frequency attached by ClinVar (database versions not stated): gnomAD exomes below 0.00001; ExAC 0.00001; ESP Exome Variant Server 0.00008.
gnomAD v4.1: 7 of 1,613,656 alleles (0.00043%); highest among the groups gnomAD compares: African/African-American, 0.0067%; no homozygotes.

Submissions (2):

Labcorp Genetics (formerly Invitae), Labcorp
Classification: Uncertain significance for Neuronal ceroid lipofuscinosis. Last evaluated: 2022-08-16. Review status: criteria provided, single submitter. Criteria: Invitae Variant Classification Sherloc (09022015). Collection method: clinical testing. Allele origin: germline.
Comment: This sequence change replaces arginine, which is basic and polar, with leucine, which is neutral and non-polar, at codon 110 of the CLN6 protein (p.Arg110Leu). This variant is present in population databases (rs140179213, gnomAD 0.007%). This variant has not been reported in the literature in individuals affected with CLN6-related conditions. ClinVar contains an entry for this variant (Variation ID: 1311554). Algorithms developed to predict the effect of missense changes on protein structure and function (SIFT, PolyPhen-2, Align-GVGD) all suggest that this variant is likely to be disruptive. In summary, the available evidence is currently insufficient to determine the role of this variant in disease. Therefore, it has been classified as a Variant of Uncertain Significance.

GeneDx
Classification: Uncertain significance. Last evaluated: 2019-09-05. Review status: criteria provided, single submitter. Criteria: GeneDx Variant Classification Process June 2021. Collection method: clinical testing. Allele origin: germline. Affected: yes.
Comment: Not observed at a significant frequency in large population cohorts (Lek et al., 2016); In silico analysis, which includes protein predictors and evolutionary conservation, supports a deleterious effect; Has not been previously published as pathogenic or benign to our knowledge